The following is an entry in ClinVar:

ClinVar aggregate classification (germline): Uncertain significance (1 of 4 stars; one submission).

gnomAD v4.1: 1 of 1,614,238 alleles (0.000062%); highest among the groups gnomAD compares: Non-Finnish European, 0.000085%; no homozygotes.

Submission:

GeneDx
Classification: Uncertain significance. Last evaluated: 2024-01-31. Review status: criteria provided, single submitter. Criteria: GeneDx Variant Classification Process June 2021. Collection method: clinical testing. Allele origin: germline. Affected: yes.
Comment: Not observed at significant frequency in large population cohorts (gnomAD); In silico analysis supports that this missense variant has a deleterious effect on protein structure/function; Has not been previously published as pathogenic or benign to our knowledge

NM_182641.4(BPTF):c.6526A>G (p.Thr2176Ala)

Gene: BPTF (bromodomain PHD finger transcription factor; plus strand). Cytogenetic location: 17q24.2.
Variant type: single nucleotide variant.
Coding change: c.6526A>G on transcript NM_182641.4 (MANE Select); coding-DNA position 6526, A replaced by G.
Protein change: p.Thr2176Ala; replaces threonine 2176 with alanine.
Molecular consequence: missense variant.
Genome position (GRCh38, 1-based): chr17:67,944,198, A>G. VCF-style: chr17-67944198-A-G. GRCh37 (hg19) VCF-style: chr17-65940314-A-G.
Other names: c.6904A>G, p.Thr2302Ala (NM_004459.7); short protein forms T2176A, T2302A.
Identifiers: ClinVar variation 3368628 (VCV003368628.1).
Genomic context (GRCh38, chr17:67,944,198, plus strand): 5'-TTTTTTCCACAGGGTGGCAATCAAGGTTTGACAGTAGTAATTCAAGGACAAGGTCAAACT[A>G]CTGGACAGTTGCAGTTGATACCTCAAGGGGTGACTGTACTCCCAGGCCCAGGCCAGCAGC-3'
Protein context (NP_872579.2, residues 2166-2186): TVVIQGQGQT[Thr2176Ala]GQLQLIPQGV